The following is an entry in ClinVar:

ClinVar aggregate classification (germline): Uncertain significance (1 of 4 stars; one submission).

gnomAD v4.1: 5 of 1,599,930 alleles (0.00031%); highest among the groups gnomAD compares: Non-Finnish European, 0.00043%; no homozygotes.

Submission:

Labcorp Genetics (formerly Invitae), Labcorp
Classification: Uncertain significance. Last evaluated: 2026-01-25. Review status: criteria provided, single submitter. Criteria: Invitae Variant Classification Sherloc (09022015). Collection method: clinical testing. Allele origin: germline.
Comment: This sequence change falls in intron 24 of the ITGAM gene. It does not directly change the encoded amino acid sequence of the ITGAM protein. It affects a nucleotide within the consensus splice site. This variant is not present in population databases (gnomAD no frequency). This variant has not been reported in the literature in individuals affected with ITGAM-related conditions. Variants that disrupt the consensus splice site are a relatively common cause of aberrant splicing (PMID: 17576681, 9536098). Algorithms developed to predict the effect of sequence changes on RNA splicing suggest that this variant is not likely to affect RNA splicing. In summary, the available evidence is currently insufficient to determine the role of this variant in disease. Therefore, it has been classified as a Variant of Uncertain Significance.

Literature cited by the submitters: PubMed 17576681; PubMed 9536098.

NM_000632.4(ITGAM):c.2868+6C>T

Gene: ITGAM (integrin subunit alpha M; plus strand). Cytogenetic location: 16p11.2.
Variant type: single nucleotide variant.
Coding change: c.2868+6C>T on transcript NM_000632.4 (MANE Select); 6 bases into the intron after coding-DNA position 2868, C replaced by T.
Molecular consequence: intron variant.
Genome position (GRCh38, 1-based): chr16:31,329,309, C>T. VCF-style: chr16-31329309-C-T. GRCh37 (hg19) VCF-style: chr16-31340630-C-T.
Other names: c.2871+6C>T (NM_001145808.2).
Identifiers: ClinVar variation 4752302 (VCV004752302.1).